The following is an entry in ClinVar:

ClinVar aggregate classification (germline): Benign. Review status: criteria provided, multiple submitters, no conflicts (2 of 4 stars). 3 submissions from 3 submitters: Benign (3). Last evaluated 2026-09-01.

Conditions:
Developmental and epileptic encephalopathy, 30 (DEE30). Also called: Epileptic encephalopathy, early infantile, 30. Identifiers: MedGen C4225360, MONDO:0014595, OMIM 616341.
Inborn genetic diseases. Identifiers: MedGen C0950123, MeSH D030342.

Allele frequency attached by ClinVar (database versions not stated): ESP Exome Variant Server 0.00015; gnomAD 0.00022; gnomAD exomes 0.00180; ExAC 0.00220; 1000 Genomes Project 0.00280.

Submissions (3):

CeGaT Center for Human Genetics Tuebingen
Classification: Benign. Last evaluated: 2026-09-01. Review status: criteria provided, single submitter. Criteria: CeGaT Center For Human Genetics Tuebingen Variant Classification Criteria Version 2. Collection method: clinical testing. Allele origin: germline. Affected: yes. Observed: 1 variant allele.
Comment: SIK1: BP4, BS1, BS2

Labcorp Genetics (formerly Invitae), Labcorp
Classification: Benign for Developmental and epileptic encephalopathy, 30. Last evaluated: 2025-11-09. Review status: criteria provided, single submitter. Criteria: Invitae Variant Classification Sherloc (09022015). Collection method: clinical testing. Allele origin: germline.

Ambry Genetics
Classification: Benign for Inborn genetic diseases. Last evaluated: 2016-05-26. Review status: criteria provided, single submitter. Criteria: Ambry Variant Classification Scheme 2023. Collection method: clinical testing. Allele origin: germline.

NM_173354.5(SIK1):c.1463-3C>T

Gene: SIK1 (salt inducible kinase 1; minus strand). Cytogenetic location: 21q22.3.
Variant type: single nucleotide variant.
Coding change: c.1463-3C>T on transcript NM_173354.5 (MANE Select); 3 bases into the intron before coding-DNA position 1463, C replaced by T.
Molecular consequence: intron variant.
Genome position (GRCh38, 1-based): chr21:43,418,544, G>A on the plus strand (C>T on the coding strand, the complement: SIK1 is on the minus strand). VCF-style: chr21-43418544-G-A. GRCh37 (hg19) VCF-style: chr21-44838424-G-A.
Identifiers: ClinVar variation 587897 (VCV000587897.17), dbSNP rs372615326, ClinGen allele CA321325559.